The following is an entry in ClinVar:

NM_025243.4(SLC19A3):c.611G>A (p.Ser204Asn)

Gene: SLC19A3 (solute carrier family 19 member 3; minus strand). Cytogenetic location: 2q36.3.
Variant type: single nucleotide variant.
Coding change: c.611G>A on transcript NM_025243.4 (MANE Select); coding-DNA position 611, G replaced by A.
Protein change: p.Ser204Asn; replaces serine 204 with asparagine.
Molecular consequence: missense variant.
Genome position (GRCh38, 1-based): chr2:227,699,104, C>T on the plus strand (G>A on the coding strand, the complement: SLC19A3 is on the minus strand). VCF-style: chr2-227699104-C-T. GRCh37 (hg19) VCF-style: chr2-228563820-C-T.
Other names: short protein forms S204N.
Identifiers: ClinVar variation 658961 (VCV000658961.10), dbSNP rs773705000, ClinGen allele CA2149259.

ClinVar aggregate classification (germline): Conflicting classifications of pathogenicity. Review status: criteria provided, conflicting classifications (1 of 4 stars). 2 submissions from 2 submitters: Uncertain significance (1); Likely benign (1). Last evaluated 2025-08-08.

Conditions:
Biotin-responsive basal ganglia disease (BTBGD). Also called: Thiamine metabolism dysfunction syndrome type 2; Thiamine Transporter-2 Deficiency; thiamine-responsive encephalopathy; THIAMINE METABOLISM DYSFUNCTION SYNDROME 2 (BIOTIN- AND THIAMINE-RESPONSIVE TYPE); Thiamine metabolism dysfunction syndrome 2 (biotin- or thiamine-responsive encephalopathy type 2). Identifiers: Orphanet 199348, Orphanet 65284, MedGen C1843807, MONDO:0011841, OMIM 607483.

Allele frequency attached by ClinVar (database versions not stated): gnomAD 0.00001; TOPMed 0.00005; ExAC 0.00007; gnomAD exomes 0.00012.
gnomAD v4.1: 70 of 1,614,036 alleles (0.0043%); highest among the groups gnomAD compares: Admixed American, 0.017%; no homozygotes.

Submissions (2):

Labcorp Genetics (formerly Invitae), Labcorp
Classification: Likely benign for Biotin-responsive basal ganglia disease. Last evaluated: 2025-08-08. Review status: criteria provided, single submitter. Criteria: Invitae Variant Classification Sherloc (09022015). Collection method: clinical testing. Allele origin: germline.

GeneDx
Classification: Uncertain significance. Last evaluated: 2022-09-12. Review status: criteria provided, single submitter. Criteria: GeneDx Variant Classification Process June 2021. Collection method: clinical testing. Allele origin: germline. Affected: yes.
Comment: In silico analysis supports that this missense variant does not alter protein structure/function; Has not been previously published as pathogenic or benign to our knowledge